The following is an entry in ClinVar:

NM_000321.3(RB1):c.2091_2092del (p.Asp697fs)

Gene: RB1 (RB transcriptional corepressor 1; plus strand). Cytogenetic location: 13q14.2.
Variant type: Deletion.
Coding change: c.2091_2092del on transcript NM_000321.3 (MANE Select); coding-DNA positions 2091 to 2092, 2 bases deleted (CA; older notation c.2091_2092delCA).
Protein change: p.Asp697fs; shifts the reading frame from aspartic acid 697.
Molecular consequence: frameshift variant.
Genome position (GRCh38, 1-based): chr13:48,459,818-48,459,819, CA deleted; deleting any 2 consecutive bases within chr13:48,459,817-48,459,819 gives the same sequence; the c. name uses the placement nearest the transcript's 3' end. VCF-style (leftmost placement, unchanged base first): chr13-48459816-GAC-G. GRCh37 (hg19) VCF-style: chr13-49033952-GAC-G.
Other names: c.2091_2092del, p.Asp697fs (NM_001407165.1); short protein forms D697fs.
Identifiers: ClinVar variation 3728767 (VCV003728767.2).
Genomic context (GRCh38, chr13:48,459,816, plus strand): 5'-GAACATATCATCTGGACCCTTTTCCAGCACACCCTGCAGAATGAGTATGAACTCATGAGA[GAC>G]AGGCATTTGGACCAAGTAAGAAAATCAAGCACTTCACCTTCTCTCCTCCCTACTTACTTG-3'

ClinVar aggregate classification (germline): Pathogenic (1 of 4 stars; one submission).

Conditions:
Retinoblastoma (RB1). Also called: RETINOBLASTOMA, SOMATIC. Identifiers: Orphanet 790, MedGen C0035335, MeSH D012175, MONDO:0008380, OMIM 180200, HP:0009919. Disease mechanism: loss of function. Inheritance: Both sporadic and heritable forms are tested..

Submission:

Labcorp Genetics (formerly Invitae), Labcorp
Classification: Pathogenic for Retinoblastoma. Last evaluated: 2025-11-17. Review status: criteria provided, single submitter. Criteria: Invitae Variant Classification Sherloc (09022015). Collection method: clinical testing. Allele origin: germline.
Comment: This sequence change creates a premature translational stop signal (p.Asp697Glufs*23) in the RB1 gene. It is expected to result in an absent or disrupted protein product. Loss-of-function variants in RB1 are known to be pathogenic (PMID: 17096365). This variant is not present in population databases (gnomAD no frequency). This variant has not been reported in the literature in individuals affected with RB1-related conditions. ClinVar contains an entry for this variant (Variation ID: 3728767). For these reasons, this variant has been classified as Pathogenic.

Literature cited by the submitters: PubMed 17096365.